The following is an entry in ClinVar:

NC_000023.10:g.(32456508_32459296)_(32459432_32466572)dup

Gene: DMD (dystrophin; minus strand). Cytogenetic location: Xp21.1.
Variant type: Duplication.
Identifiers: ClinVar variation 2682222 (VCV002682222.1).

ClinVar aggregate classification (germline): Uncertain significance (1 of 4 stars; one submission).

Submission:

Women's Health and Genetics/Laboratory Corporation of America, LabCorp
Classification: Uncertain significance. Last evaluated: 2023-11-21. Review status: criteria provided, single submitter. Criteria: LabCorp Variant Classification Summary - May 2015. Collection method: clinical testing. Allele origin: germline.
Comment: Variant summary: The variant involves the duplication of exons 28 in the DMD gene. A presumed nomenclature of c.(3786+1_3787-1)_(3921+1_3922-1)dup has been designated for the purposes of this classification. It is assumed to be a tandem duplication in direct orientation (Richardson_GIM_2018, Newman_AJHG_2015). This Copy Number Variant (CNV) is predicted to result in an in-frame duplication within this gene. The variant was absent in 16120 control chromosomes (gnomAD, Structural Variants dataset). c.(3786+1_3787-1)_(3921+1_3922-1)dup has been reported in the literature in individuals affected with Dystrophinopathies (Li_2015). These data indicate that the variant may be associated with disease. To our knowledge, no experimental evidence demonstrating an impact on protein function has been reported. The following publication have been ascertained in the context of this evaluation (PMID: 25612904). No submitters have cited clinical-significance assessments for this variant to ClinVar after 2014. Based on the evidence outlined above, the variant was classified as VUS-possibly pathogenic.

Literature cited by the submitters: PubMed 25612904.